The following is an entry in ClinVar:

NM_022167.4(XYLT2):c.496G>A (p.Gly166Ser)

Gene: XYLT2 (xylosyltransferase 2; plus strand). Cytogenetic location: 17q21.33.
Variant type: single nucleotide variant.
Coding change: c.496G>A on transcript NM_022167.4 (MANE Select); coding-DNA position 496, G replaced by A.
Protein change: p.Gly166Ser; replaces glycine 166 with serine.
Molecular consequence: missense variant.
Genome position (GRCh38, 1-based): chr17:50,353,990, G>A. VCF-style: chr17-50353990-G-A. GRCh37 (hg19) VCF-style: chr17-48431351-G-A.
Other names: short protein forms G166S.
Identifiers: ClinVar variation 1359096 (VCV001359096.8), dbSNP rs764195134, ClinGen allele CA8646178.

ClinVar aggregate classification (germline): Uncertain significance (1 of 4 stars; one submission).

Allele frequency attached by ClinVar (database versions not stated): ExAC 0.00001; gnomAD exomes below 0.00001.

Submission:

Labcorp Genetics (formerly Invitae), Labcorp
Classification: Uncertain significance. Last evaluated: 2022-06-20. Review status: criteria provided, single submitter. Criteria: Invitae Variant Classification Sherloc (09022015). Collection method: clinical testing. Allele origin: germline.
Comment: This variant has not been reported in the literature in individuals affected with XYLT2-related conditions. Algorithms developed to predict the effect of missense changes on protein structure and function are either unavailable or do not agree on the potential impact of this missense change (SIFT: "Tolerated"; PolyPhen-2: "Probably Damaging"; Align-GVGD: "Class C0"). The frequency data for this variant in the population databases is considered unreliable, as metrics indicate poor data quality at this position in the gnomAD database. This sequence change replaces glycine, which is neutral and non-polar, with serine, which is neutral and polar, at codon 166 of the XYLT2 protein (p.Gly166Ser). In summary, the available evidence is currently insufficient to determine the role of this variant in disease. Therefore, it has been classified as a Variant of Uncertain Significance.